The following is an entry in ClinVar:

ClinVar aggregate classification (germline): Pathogenic (1 of 4 stars; one submission).

Conditions:
Inborn genetic diseases. Identifiers: MedGen C0950123, MeSH D030342.

Submission:

Ambry Genetics
Classification: Pathogenic for Inborn genetic diseases. Last evaluated: 2024-04-22. Review status: criteria provided, single submitter. Criteria: Ambry Variant Classification Scheme 2023. Collection method: clinical testing. Allele origin: germline.
Comment: The c.1804A>T (p.R602*) alteration, located in exon 15 (coding exon 14) of the ALDH18A1 gene, consists of an A to T substitution at nucleotide position 1804. This changes the amino acid from an arginine (R) to a stop codon at amino acid position 602. This alteration is expected to result in loss of function by premature protein truncation or nonsense-mediated mRNA decay. for autosomal recessive P5CS deficiency; however, its clinical significance for autosomal dominant P5CS deficiency is uncertain. This variant was not reported in population-based cohorts in the Genome Aggregation Database (gnomAD). Based on the available evidence, this alteration is classified as pathogenic.

NM_002860.4(ALDH18A1):c.1804A>T (p.Arg602Ter)

Gene: ALDH18A1 (aldehyde dehydrogenase 18 family member A1; minus strand). Cytogenetic location: 10q24.1.
Variant type: single nucleotide variant.
Coding change: c.1804A>T on transcript NM_002860.4 (MANE Select); coding-DNA position 1804, A replaced by T.
Protein change: p.Arg602Ter; replaces arginine 602 with a stop codon.
Molecular consequence: nonsense.
Genome position (GRCh38, 1-based): chr10:95,613,861, T>A on the plus strand (A>T on the coding strand, the complement: ALDH18A1 is on the minus strand). VCF-style: chr10-95613861-T-A. GRCh37 (hg19) VCF-style: chr10-97373618-T-A.
Other names: c.1798A>T, p.Arg600Ter (NM_001017423.2, NM_001323415.2); c.1471A>T, p.Arg491Ter (NM_001323412.2, NM_001323416.2); c.1804A>T, p.Arg602Ter (NM_001323413.2, NM_001323414.2); c.1699A>T, p.Arg567Ter (NM_001323417.2); c.1465A>T, p.Arg489Ter (NM_001323418.2); c.1168A>T, p.Arg390Ter (NM_001323419.2); short protein forms R390*, R489*, R602*, R491*, R567*, R600*.
Identifiers: ClinVar variation 3283380 (VCV003283380.1).